The following is an entry in ClinVar:

NM_000642.3(AGL):c.681G>C (p.Trp227Cys)

Gene: AGL (amylo-alpha-1,6-glucosidase and 4-alpha-glucanotransferase; plus strand). Cytogenetic location: 1p21.2.
Variant type: single nucleotide variant.
Coding change: c.681G>C on transcript NM_000642.3 (MANE Select); coding-DNA position 681, G replaced by C.
Protein change: p.Trp227Cys; replaces tryptophan 227 with cysteine.
Molecular consequence: missense variant.
Genome position (GRCh38, 1-based): chr1:99,870,416, G>C. VCF-style: chr1-99870416-G-C. GRCh37 (hg19) VCF-style: chr1-100335972-G-C.
Other names: c.681G>C, p.Trp227Cys (NM_000028.3, NM_000643.3, NM_000644.3 and 3 more transcripts); c.633G>C, p.Trp211Cys (NM_000646.3); c.477G>C, p.Trp159Cys (NM_001425328.1, NM_001425329.1); c.303G>C, p.Trp101Cys (NM_001425332.1); short protein forms W227C, W211C, W101C, W159C.
Identifiers: ClinVar variation 574673 (VCV000574673.10), dbSNP rs753914653, ClinGen allele CA27568644.

ClinVar aggregate classification (germline): Uncertain significance (1 of 4 stars; one submission).

Conditions:
Glycogen storage disease type III (GSD3). Also called: Cori disease; FORBES DISEASE. Identifiers: Orphanet 366, MedGen C0017922, MONDO:0009291, OMIM 232400.

Allele frequency attached by ClinVar (database versions not stated): gnomAD 0.00001; TOPMed 0.00002.
gnomAD v4.1: 2 of 1,613,816 alleles (0.00012%); highest among the groups gnomAD compares: African/African-American, 0.0027%; no homozygotes.

Submission:

Labcorp Genetics (formerly Invitae), Labcorp
Classification: Uncertain significance for Glycogen storage disease type III. Last evaluated: 2022-01-01. Review status: criteria provided, single submitter. Criteria: Invitae Variant Classification Sherloc (09022015). Collection method: clinical testing. Allele origin: germline.
Comment: Algorithms developed to predict the effect of missense changes on protein structure and function are either unavailable or do not agree on the potential impact of this missense change (SIFT: "Deleterious"; PolyPhen-2: "Probably Damaging"; Align-GVGD: "Class C0"). In summary, the available evidence is currently insufficient to determine the role of this variant in disease. Therefore, it has been classified as a Variant of Uncertain Significance. ClinVar contains an entry for this variant (Variation ID: 574673). This variant has not been reported in the literature in individuals affected with AGL-related conditions. This variant is not present in population databases (gnomAD no frequency). This sequence change replaces tryptophan, which is neutral and slightly polar, with cysteine, which is neutral and slightly polar, at codon 227 of the AGL protein (p.Trp227Cys).